The following is an entry in ClinVar:

NM_030753.5(WNT3):c.259C>T (p.Arg87Cys)

Genes: LRRC37A2 (leucine rich repeat containing 37 member A2), WNT3 (Wnt family member 3; minus strand). Cytogenetic location: 17q21.31.
Variant type: single nucleotide variant.
Coding change: c.259C>T on transcript NM_030753.5 (MANE Select); coding-DNA position 259, C replaced by T.
Protein change: p.Arg87Cys; replaces arginine 87 with cysteine.
Molecular consequence: missense variant.
Genome position (GRCh38, 1-based): chr17:46,773,731, G>A on the plus strand (C>T on the coding strand, the complement: WNT3 is on the minus strand). VCF-style: chr17-46773731-G-A. GRCh37 (hg19) VCF-style: chr17-44851097-G-A.
Other names: short protein forms R87C.
Identifiers: ClinVar variation 2090142 (VCV002090142.5), dbSNP rs773358698, ClinGen allele CA8620653.
Genomic context (GRCh38, chr17:46,773,731, plus strand): 5'-TGTCGAGGACGGGCCCAAAGATGGCCAGGCTGTCATCTATGGTGGTGCAGTTCCAGCGGC[G>A]GCCCCGGAACTGGTGCTGGCACTCCTGGATGCCCAGCTTCACGCCCTCGGCCACGCTGGG-3'
Protein context (NP_110380.1, residues 77-97): IQECQHQFRG[Arg87Cys]RWNCTTIDDS

ClinVar aggregate classification (germline): Uncertain significance. Review status: criteria provided, multiple submitters, no conflicts (2 of 4 stars). 2 submissions from 2 submitters: Uncertain significance (2). Last evaluated 2025-10-15.

Allele frequency attached by ClinVar (database versions not stated): gnomAD exomes 0.00001; ExAC 0.00001; gnomAD 0.00001.
gnomAD v4.1: 14 of 1,612,714 alleles (0.00087%); highest among the groups gnomAD compares: South Asian, 0.013%; no homozygotes.

Submissions (2):

Labcorp Genetics (formerly Invitae), Labcorp
Classification: Uncertain significance. Last evaluated: 2025-10-15. Review status: criteria provided, single submitter. Criteria: Invitae Variant Classification Sherloc (09022015). Collection method: clinical testing. Allele origin: germline.
Comment: This sequence change replaces arginine, which is basic and polar, with cysteine, which is neutral and slightly polar, at codon 87 of the WNT3 protein (p.Arg87Cys). This variant is present in population databases (rs773358698, gnomAD 0.01%). This variant has not been reported in the literature in individuals affected with WNT3-related conditions. ClinVar contains an entry for this variant (Variation ID: 2090142). Invitae Evidence Modeling of protein sequence and biophysical properties (such as structural, functional, and spatial information, amino acid conservation, physicochemical variation, residue mobility, and thermodynamic stability) indicates that this missense variant is expected to disrupt WNT3 protein function with a positive predictive value of 80%. In summary, the available evidence is currently insufficient to determine the role of this variant in disease. Therefore, it has been classified as a Variant of Uncertain Significance.

Ambry Genetics
Classification: Uncertain significance. Last evaluated: 2021-06-22. Review status: criteria provided, single submitter. Criteria: Ambry Variant Classification Scheme 2023. Collection method: clinical testing. Allele origin: germline.